The following is an entry in ClinVar:

NM_001206927.2(DNAH8):c.12176C>T (p.Ala4059Val)

Genes: DNAH8 (dynein axonemal heavy chain 8; plus strand), DNAH8-AS1 (DNAH8 antisense RNA 1; minus strand). Cytogenetic location: 6p21.2.
Variant type: single nucleotide variant.
Coding change: c.12176C>T on transcript NM_001206927.2 (MANE Select); coding-DNA position 12176, C replaced by T.
Protein change: p.Ala4059Val; replaces alanine 4059 with valine.
Molecular consequence: missense variant.
Genome position (GRCh38, 1-based): chr6:38,949,498, C>T. VCF-style: chr6-38949498-C-T. GRCh37 (hg19) VCF-style: chr6-38917274-C-T.
Other names: c.12176C>T (NM_001206927.1); c.11525C>T, p.Ala3842Val (NM_001371.4); short protein forms A3842V, A4059V.
Identifiers: ClinVar variation 1024181 (VCV001024181.10), dbSNP rs780928277, ClinGen allele CA3791281.
Genomic context (GRCh38, chr6:38,949,498, plus strand): 5'-CTTGCTTCTTTTAGATATCTCGTAATGAGAAGGGGTGGAAAAGCTGGTTTGATAAAGATG[C>T]TCCAGAGGAGGAAATTATCCCTGATGGATATAATGATTCACTAGATACCTGCCATAAACT-3'
Protein context (NP_001193856.1, residues 4049-4069): KGWKSWFDKD[Ala4059Val]PEEEIIPDGY

ClinVar aggregate classification (germline): Uncertain significance. Review status: criteria provided, multiple submitters, no conflicts (2 of 4 stars). 3 submissions from 3 submitters: Uncertain significance (3). Last evaluated 2025-08-19.

Conditions:
Primary ciliary dyskinesia. Also called: Ciliary dyskinesia. Identifiers: Orphanet 244, MedGen C0008780, MONDO:0016575, HP:0012265.
DNAH8-related disorder. Also called: DNAH8-related condition.

Allele frequency attached by ClinVar (database versions not stated): gnomAD 0.00001; TOPMed 0.00002; ExAC 0.00003; gnomAD exomes 0.00004 and 0.00005.
gnomAD v4.1: 72 of 1,613,390 alleles (0.0045%); highest among the groups gnomAD compares: Non-Finnish European, 0.0056%; no homozygotes.

Submissions (3):

PreventionGenetics, part of Exact Sciences
Classification: Uncertain significance for DNAH8-related condition. Last evaluated: 2025-08-19. Review status: criteria provided, single submitter. Criteria: ACMG Guidelines, 2015. Collection method: clinical testing. Allele origin: germline.
Comment: The DNAH8 c.12176C>T variant is predicted to result in the amino acid substitution p.Ala4059Val. To our knowledge, this variant has not been reported in the literature. This variant is reported in 0.0062% of alleles in individuals of European (Non-Finnish) descent in gnomAD. At this time, the clinical significance of this variant is uncertain due to the absence of conclusive functional and genetic evidence.

Ambry Genetics
Classification: Uncertain significance. Last evaluated: 2025-06-22. Review status: criteria provided, single submitter. Criteria: Ambry Variant Classification Scheme 2023. Collection method: clinical testing. Allele origin: germline.

Labcorp Genetics (formerly Invitae), Labcorp
Classification: Uncertain significance for Primary ciliary dyskinesia. Last evaluated: 2024-04-22. Review status: criteria provided, single submitter. Criteria: Invitae Variant Classification Sherloc (09022015). Collection method: clinical testing. Allele origin: germline.
Comment: This sequence change replaces alanine, which is neutral and non-polar, with valine, which is neutral and non-polar, at codon 4059 of the DNAH8 protein (p.Ala4059Val). This variant is present in population databases (rs780928277, gnomAD 0.006%). This variant has not been reported in the literature in individuals affected with DNAH8-related conditions. ClinVar contains an entry for this variant (Variation ID: 1024181). Advanced modeling of protein sequence and biophysical properties (such as structural, functional, and spatial information, amino acid conservation, physicochemical variation, residue mobility, and thermodynamic stability) performed at Invitae indicates that this missense variant is not expected to disrupt DNAH8 protein function with a negative predictive value of 80%. In summary, the available evidence is currently insufficient to determine the role of this variant in disease. Therefore, it has been classified as a Variant of Uncertain Significance.